The following is an entry in ClinVar:

NC_000008.10:g.(?_100286416)_(100454873_?)del

Gene: VPS13B (vacuolar protein sorting 13 homolog B; plus strand). Cytogenetic location: 8q22.2.
Variant type: Deletion.
Identifiers: ClinVar variation 1454066 (VCV001454066.3).

ClinVar aggregate classification (germline): Pathogenic (1 of 4 stars; one submission).

Conditions:
Cohen syndrome (COH1). Also called: PEPPER SYNDROME; Cutis verticis gyrata, retinitis pigmentosa, and sensorineural deafness. Identifiers: Orphanet 193, MedGen C0265223, MONDO:0008999, OMIM 216550.

Submission:

Labcorp Genetics (formerly Invitae), Labcorp
Classification: Pathogenic for Cohen syndrome. Last evaluated: 2021-09-29. Review status: criteria provided, single submitter. Criteria: Invitae Variant Classification Sherloc (09022015). Collection method: clinical testing. Allele origin: germline.
Comment: This variant is a gross deletion of the genomic region encompassing exon(s) 18-23 of the VPS13B gene. This variant would be expected to be in-frame, preserving the integrity of the reading frame. A similar copy number variant has been observed in individual(s) with Cohen syndrome (PMID: 32505691). In at least one individual the data is consistent with the variant being in trans (on the opposite chromosome) from a pathogenic variant. For these reasons, this variant has been classified as Pathogenic.

Literature cited by the submitters: PubMed 32505691.